The following is an entry in ClinVar:

NM_001382430.1(AKT1):c.731T>C (p.Val244Ala)

Gene: AKT1 (AKT serine/threonine kinase 1; minus strand). Cytogenetic location: 14q32.33.
Variant type: single nucleotide variant.
Coding change: c.731T>C on transcript NM_001382430.1 (MANE Select); coding-DNA position 731, T replaced by C.
Protein change: p.Val244Ala; replaces valine 244 with alanine.
Molecular consequence: missense variant.
Genome position (GRCh38, 1-based): chr14:104,773,552, A>G on the plus strand (T>C on the coding strand, the complement: AKT1 is on the minus strand). VCF-style: chr14-104773552-A-G. GRCh37 (hg19) VCF-style: chr14-105239889-A-G.
Other names: c.731T>C, p.Val244Ala (NM_001014431.2, NM_001014432.2, NM_001382431.1 and 3 more transcripts); short protein forms V244A.
Identifiers: ClinVar variation 1758314 (VCV001758314.2), dbSNP rs2140907279, ClinGen allele CA391218494.
Genomic context (GRCh38, chr14:104,773,552, plus strand): 5'-AGGTAGTCCAGGGCTGACACAATCTCAGCGCCATAGAAGCGGGCCCGGTCCTCGGAGAAC[A>G]CACGCTCCCGGGACAGGTGGAAGAACAGCTGCGGGAGGCGCAACCTGAGGCACAGCCGTG-3'
Protein context (NP_001369359.1, residues 234-254): ELFFHLSRER[Val244Ala]FSEDRARFYG

ClinVar aggregate classification (germline): Uncertain significance (1 of 4 stars; one submission).

Conditions:
Inborn genetic diseases. Identifiers: MedGen C0950123, MeSH D030342.

Submission:

Ambry Genetics
Classification: Uncertain significance for Inborn genetic diseases. Last evaluated: 2022-10-27. Review status: criteria provided, single submitter. Criteria: Ambry Variant Classification Scheme 2023. Collection method: clinical testing. Allele origin: germline.
Comment: The p.V244A variant (also known as c.731T>C), located in coding exon 8 of the AKT1 gene, results from a T to C substitution at nucleotide position 731. The valine at codon 244 is replaced by alanine, an amino acid with similar properties. This amino acid position is conserved. In addition, this alteration is predicted to be tolerated by in silico analysis. Since supporting evidence is limited at this time, the clinical significance of this alteration remains unclear.